The following is an entry in ClinVar:

Conditions:
Breast-ovarian cancer, familial, susceptibility to, 1 (BROVCA1). Also called: BRCA1 Hereditary Breast and Ovarian Cancer; OVARIAN CANCER, SUSCEPTIBILITY TO. Identifiers: Orphanet 145, MedGen C2676676, MONDO:0011450, OMIM 604370. Disease mechanism: loss of function.

Submission:

Brotman Baty Institute, University of Washington
No classification provided (evidence only). Condition: Breast-ovarian cancer, familial 1. Review status: no classification provided. Collection method: in vitro. Allele origin: not applicable. Functional consequence: functionally_normal.
ClinVar note: "not provided" was previously submitted as the classification for the variant. However, the classification appeared to be based only on an observation of functional data so it was converted to no classification on 2025-07-30.

NM_007294.4(BRCA1):c.5001G>C (p.Lys1667Asn)

Gene: BRCA1 (BRCA1 DNA repair associated; minus strand). Cytogenetic location: 17q21.31.
Variant type: single nucleotide variant.
Coding change: c.5001G>C on transcript NM_007294.4 (MANE Select); coding-DNA position 5001, G replaced by C.
Protein change: p.Lys1667Asn; replaces lysine 1667 with asparagine.
Molecular consequence: missense variant. On other transcripts: non-coding transcript variant (1).
Genome position (GRCh38, 1-based): chr17:43,067,681, C>G on the plus strand (G>C on the coding strand, the complement: BRCA1 is on the minus strand). VCF-style: chr17-43067681-C-G. GRCh37 (hg19) VCF-style: chr17-41219698-C-G.
Other names: c.4788G>C, p.Lys1596Asn (NM_001407571.1, NM_001407900.1, NM_001407902.1 and 12 more transcripts); c.5067G>C, p.Lys1689Asn (NM_001407581.1, NM_001407582.1); c.5064G>C, p.Lys1688Asn (NM_001407583.1, NM_001407585.1, NM_001407587.1 and 1 more transcripts); c.4998G>C, p.Lys1666Asn (NM_001407610.1, NM_001407611.1, NM_001407612.1 and 17 more transcripts); c.4995G>C, p.Lys1665Asn (NM_001407629.1, NM_001407630.1, NM_001407631.1 and 14 more transcripts); c.4941G>C, p.Lys1647Asn (NM_001407649.1); c.5001G>C, p.Lys1667Asn (NM_001407652.1, NM_001407593.1, NM_001407594.1 and 8 more transcripts); c.4923G>C, p.Lys1641Asn (NM_001407653.1, NM_001407654.1, NM_001407655.1); and 70 more; short protein forms K563N, K1667N, K1620N, K1688N, K1371N, K1538N, K1554N, K1555N.
Identifiers: ClinVar variation 868512 (VCV000868512.3), dbSNP rs889937720, ClinGen allele CA10591518.
Genomic context (GRCh38, chr17:43,067,681, plus strand): 5'-AACATGAGTAGTCTCTTCAGTAATTAGATTAGTTAAAGTGATGTGGTGTTTTCTGGCAAA[C>G]TTGTACACGAGCATCTGAAATTAAATCAAATATTCCATTATCATGAGTTACCTCTAGCAC-3'
Protein context (NP_009225.1, residues 1657-1677): LTPEEFMLVY[Lys1667Asn]FARKHHITLT